The following is an entry in ClinVar:

NM_139076.3(ABRAXAS1):c.716C>T (p.Ala239Val)

Gene: ABRAXAS1 (abraxas 1, BRCA1 A complex subunit; minus strand). Cytogenetic location: 4q21.23.
Variant type: single nucleotide variant.
Coding change: c.716C>T on transcript NM_139076.3 (MANE Select); coding-DNA position 716, C replaced by T.
Protein change: p.Ala239Val; replaces alanine 239 with valine.
Molecular consequence: missense variant.
Genome position (GRCh38, 1-based): chr4:83,463,574, G>A on the plus strand (C>T on the coding strand, the complement: ABRAXAS1 is on the minus strand). VCF-style: chr4-83463574-G-A. GRCh37 (hg19) VCF-style: chr4-84384727-G-A.
Other names: c.389C>T, p.Ala130Val (NM_001345962.2); short protein forms A130V, A239V.
Identifiers: ClinVar variation 5029342 (VCV005029342.1).

ClinVar aggregate classification (germline): Uncertain significance (1 of 4 stars; one submission).

Submission:

Ambry Genetics
Classification: Uncertain significance. Last evaluated: 2026-09-09. Review status: criteria provided, single submitter. Criteria: Ambry Variant Classification Scheme 2023. Collection method: clinical testing. Allele origin: germline.
Comment: The p.A239V variant (also known as c.716C>T), located in coding exon 8 of the FAM175A gene, results from a C to T substitution at nucleotide position 716. The alanine at codon 239 is replaced by valine, an amino acid with similar properties. This amino acid position is conserved. In addition, this alteration is predicted to be tolerated by in silico analysis. Based on the available evidence, the clinical significance of this variant remains unclear.